The following is an entry in ClinVar:

NM_000180.4(GUCY2D):c.3122G>A (p.Gly1041Asp)

Gene: GUCY2D (guanylate cyclase 2D, retinal; plus strand). Cytogenetic location: 17p13.1.
Variant type: single nucleotide variant.
Coding change: c.3122G>A on transcript NM_000180.4 (MANE Select); coding-DNA position 3122, G replaced by A.
Protein change: p.Gly1041Asp; replaces glycine 1041 with aspartic acid.
Molecular consequence: missense variant.
Genome position (GRCh38, 1-based): chr17:8,016,005, G>A. VCF-style: chr17-8016005-G-A. GRCh37 (hg19) VCF-style: chr17-7919323-G-A.
Other names: short protein forms G1041D.
Identifiers: ClinVar variation 1045177 (VCV001045177.8), dbSNP rs1975964730, ClinGen allele CA397955819.
Genomic context (GRCh38, chr17:8,016,005, plus strand): 5'-ACTTGAGCACTGTGGGGATTCTCCGTGCTCTGGACTCGGGCTACCAGGTGGAGCTGCGAG[G>A]CCGCACGGAGCTGAAGGTGAGGCAGGGCCCCAACCCCTCCCGGAGGCCCCGCCCTGTCCT-3'
Protein context (NP_000171.1, residues 1031-1051): LDSGYQVELR[Gly1041Asp]RTELKGKGAE

ClinVar aggregate classification (germline): Uncertain significance (1 of 4 stars; one submission).

Conditions:
Cone-rod dystrophy 6 (CORD6). Also called: RETINAL CONE DYSTROPHY 2; Cone dystrophy progressive. Identifiers: Orphanet 1872, MedGen C1866293, MONDO:0011143, OMIM 601777.
Leber congenital amaurosis 1 (LCA1). Also called: Congenital absence of the rods and cones; Leber's congenital tapetoretinal degeneration; Leber's congenital tapetoretinal dysplasia; AMAUROSIS CONGENITA OF LEBER I; RETINAL BLINDNESS, CONGENITAL. Identifiers: Orphanet 65, MedGen C2931258, MONDO:0008764, OMIM 204000.

Allele frequency attached by ClinVar (database versions not stated): TOPMed below 0.00001.
gnomAD v4.1: 1 of 1,608,410 alleles (0.000062%); no homozygotes.

Submission:

Labcorp Genetics (formerly Invitae), Labcorp
Classification: Uncertain significance for Leber congenital amaurosis 1; Cone-rod dystrophy 6. Last evaluated: 2023-11-27. Review status: criteria provided, single submitter. Criteria: Invitae Variant Classification Sherloc (09022015). Collection method: clinical testing. Allele origin: germline.
Comment: This sequence change replaces glycine, which is neutral and non-polar, with aspartic acid, which is acidic and polar, at codon 1041 of the GUCY2D protein (p.Gly1041Asp). This variant is not present in population databases (gnomAD no frequency). This variant has not been reported in the literature in individuals affected with GUCY2D-related conditions. ClinVar contains an entry for this variant (Variation ID: 1045177). Advanced modeling of protein sequence and biophysical properties (such as structural, functional, and spatial information, amino acid conservation, physicochemical variation, residue mobility, and thermodynamic stability) performed at Invitae indicates that this missense variant is not expected to disrupt GUCY2D protein function with a negative predictive value of 80%. In summary, the available evidence is currently insufficient to determine the role of this variant in disease. Therefore, it has been classified as a Variant of Uncertain Significance.